The following is an entry in ClinVar:

NM_001363.5(DKC1):c.1445G>T (p.Gly482Val)

Gene: DKC1 (dyskerin pseudouridine synthase 1; plus strand). Cytogenetic location: Xq28.
Variant type: single nucleotide variant.
Coding change: c.1445G>T on transcript NM_001363.5 (MANE Select); coding-DNA position 1445, G replaced by T.
Protein change: p.Gly482Val; replaces glycine 482 with valine.
Molecular consequence: missense variant. On other transcripts: 3 prime UTR variant (1), non-coding transcript variant (3).
Genome position (GRCh38, 1-based): chrX:154,776,293, G>T. VCF-style: chrX-154776293-G-T. GRCh37 (hg19) VCF-style: chrX-154004568-G-T.
Other names: c.1430G>T, p.Gly477Val (NM_001142463.3); c.*671G>T (NM_001288747.2); short protein forms G482V, G477V.
Identifiers: ClinVar variation 2463764 (VCV002463764.2), dbSNP rs782061570, ClinGen allele CA10567276.

ClinVar aggregate classification (germline): Uncertain significance (1 of 4 stars; one submission).

Conditions:
Dyskeratosis congenita. Identifiers: Orphanet 1775, MedGen C0265965, MONDO:0015780.

Allele frequency attached by ClinVar (database versions not stated): gnomAD 0.00001; gnomAD exomes 0.00002; TOPMed 0.00002; ExAC 0.00004.
gnomAD v4.1: 8 of 1,203,813 alleles (0.00066%); highest among the groups gnomAD compares: Non-Finnish European, 0.0009%; no homozygotes.

Submission:

Ambry Genetics
Classification: Uncertain significance for Dyskeratosis congenita. Last evaluated: 2023-02-04. Review status: criteria provided, single submitter. Criteria: Ambry Variant Classification Scheme 2023. Collection method: clinical testing. Allele origin: germline.
Comment: The p.G482V variant (also known as c.1445G>T), located in coding exon 14 of the DKC1 gene, results from a G to T substitution at nucleotide position 1445. The glycine at codon 482 is replaced by valine, an amino acid with dissimilar properties. This amino acid position is conserved. In addition, this alteration is predicted to be tolerated by in silico analysis. Since supporting evidence is limited at this time, the clinical significance of this alteration remains unclear.